The following is an entry in ClinVar:

ClinVar aggregate classification (germline): Uncertain significance (1 of 4 stars; one submission).

Conditions:
Duchenne muscular dystrophy (DMD). Also called: MUSCULAR DYSTROPHY, PSEUDOHYPERTROPHIC PROGRESSIVE, DUCHENNE TYPE; Duchenne Muscular Dystrophy (DMD). Identifiers: Orphanet 98896, MedGen C0013264, MONDO:0010679, OMIM 310200.

Submission:

Labcorp Genetics (formerly Invitae), Labcorp
Classification: Uncertain significance for Duchenne muscular dystrophy. Last evaluated: 2024-12-14. Review status: criteria provided, single submitter. Criteria: Invitae Variant Classification Sherloc (09022015). Collection method: clinical testing. Allele origin: germline.
Comment: This sequence change replaces proline, which is neutral and non-polar, with alanine, which is neutral and non-polar, at codon 1121 of the DMD protein (p.Pro1121Ala). This variant is not present in population databases (gnomAD no frequency). This variant has not been reported in the literature in individuals affected with DMD-related conditions. Invitae Evidence Modeling of protein sequence and biophysical properties (such as structural, functional, and spatial information, amino acid conservation, physicochemical variation, residue mobility, and thermodynamic stability) indicates that this missense variant is not expected to disrupt DMD protein function with a negative predictive value of 95%. In summary, the available evidence is currently insufficient to determine the role of this variant in disease. Therefore, it has been classified as a Variant of Uncertain Significance.

NM_004006.3(DMD):c.3361C>G (p.Pro1121Ala)

Gene: DMD (dystrophin; minus strand). Cytogenetic location: Xp21.1.
Variant type: single nucleotide variant.
Coding change: c.3361C>G on transcript NM_004006.3 (MANE Select); coding-DNA position 3361, C replaced by G.
Protein change: p.Pro1121Ala; replaces proline 1121 with alanine.
Molecular consequence: missense variant.
Genome position (GRCh38, 1-based): chrX:32,463,510, G>C on the plus strand (C>G on the coding strand, the complement: DMD is on the minus strand). VCF-style: chrX-32463510-G-C. GRCh37 (hg19) VCF-style: chrX-32481627-G-C.
Other names: c.3337C>G, p.Pro1113Ala (NM_000109.4); c.3349C>G, p.Pro1117Ala (NM_004009.3); c.2992C>G, p.Pro998Ala (NM_004010.3); short protein forms P1113A, P1121A, P998A, P1117A.
Identifiers: ClinVar variation 3634841 (VCV003634841.2).